The following is an entry in ClinVar:

NM_021956.5(GRIK2):c.55C>A (p.Leu19Ile)

Gene: GRIK2 (glutamate ionotropic receptor kainate type subunit 2; plus strand). Cytogenetic location: 6q16.3.
Variant type: single nucleotide variant.
Coding change: c.55C>A on transcript NM_021956.5 (MANE Select); coding-DNA position 55, C replaced by A.
Protein change: p.Leu19Ile; replaces leucine 19 with isoleucine.
Molecular consequence: missense variant.
Genome position (GRCh38, 1-based): chr6:101,399,332, C>A. VCF-style: chr6-101399332-C-A. GRCh37 (hg19) VCF-style: chr6-101847208-C-A.
Other names: c.55C>A, p.Leu19Ile (NM_001166247.1, NM_175768.3); short protein forms L19I.
Identifiers: ClinVar variation 2572353 (VCV002572353.1), dbSNP rs564947971, ClinGen allele CA144613755.

ClinVar aggregate classification (germline): Uncertain significance (1 of 4 stars; one submission).

Allele frequency attached by ClinVar (database versions not stated): gnomAD exomes below 0.00001; gnomAD 0.00001; TOPMed 0.00001; 1000 Genomes Project 0.00040; 1000 Genomes Project 30x 0.00047.
gnomAD v4.1: 6 of 1,600,008 alleles (0.00037%); highest among the groups gnomAD compares: Admixed American, 0.01%; 1 homozygote.

Submission:

Greenwood Genetic Center Diagnostic Laboratories, Greenwood Genetic Center
Classification: Uncertain significance. Last evaluated: 2023-04-19. Review status: criteria provided, single submitter. Criteria: ACMG Guidelines, 2015. Collection method: clinical testing. Allele origin: germline. Affected: yes.
Comment: PM2